The following is an entry in ClinVar:

NM_001013838.3(CARMIL2):c.4069G>C (p.Gly1357Arg)

Gene: CARMIL2 (capping protein regulator and myosin 1 linker 2; plus strand). Cytogenetic location: 16q22.1.
Variant type: single nucleotide variant.
Coding change: c.4069G>C on transcript NM_001013838.3 (MANE Select); coding-DNA position 4069, G replaced by C.
Protein change: p.Gly1357Arg; replaces glycine 1357 with arginine.
Molecular consequence: missense variant. On other transcripts: intron variant (1).
Genome position (GRCh38, 1-based): chr16:67,656,833, G>C. VCF-style: chr16-67656833-G-C. GRCh37 (hg19) VCF-style: chr16-67690736-G-C.
Other names: c.3928+188G>C (NM_001317026.3); short protein forms G1357R.
Identifiers: ClinVar variation 1407865 (VCV001407865.5), dbSNP rs1397038745, ClinGen allele CA396348949.
Genomic context (GRCh38, chr16:67,656,833, plus strand): 5'-ATACCCCTGATTCCCTGGCCTCCCTCAGATGGCCAGCTGAGGCCGAGGCCTCTCTCGGCA[G>C]GGCGGCGAGCAGTGTCTGTGCATGAGGACCAGCTCCAGGCCCCTGCTGGTGAGGGGAGAC-3'
Protein context (NP_001013860.1, residues 1347-1367): GQLRPRPLSA[Gly1357Arg]RRAVSVHEDQ

ClinVar aggregate classification (germline): Uncertain significance. Review status: criteria provided, multiple submitters, no conflicts (2 of 4 stars). 2 submissions from 2 submitters: Uncertain significance (2). Last evaluated 2025-09-16.

Allele frequency attached by ClinVar (database versions not stated): gnomAD exomes 0.00002 and 0.00009; gnomAD 0.00003 and 0.00004; TOPMed 0.00003; 1000 Genomes Project 30x 0.00031.
gnomAD v4.1: 36 of 1,550,806 alleles (0.0023%); highest among the groups gnomAD compares: Admixed American, 0.041%; no homozygotes.

Submissions (2):

Labcorp Genetics (formerly Invitae), Labcorp
Classification: Uncertain significance. Last evaluated: 2025-09-16. Review status: criteria provided, single submitter. Criteria: Invitae Variant Classification Sherloc (09022015). Collection method: clinical testing. Allele origin: germline.
Comment: This sequence change replaces glycine, which is neutral and non-polar, with arginine, which is basic and polar, at codon 1357 of the CARMIL2 protein (p.Gly1357Arg). This variant is present in population databases (no rsID available, gnomAD 0.05%). This variant has not been reported in the literature in individuals affected with CARMIL2-related conditions. ClinVar contains an entry for this variant (Variation ID: 1407865). An algorithm developed to predict the effect of missense changes on protein structure and function (PolyPhen-2) suggests that this variant is likely to be disruptive. In summary, the available evidence is currently insufficient to determine the role of this variant in disease. Therefore, it has been classified as a Variant of Uncertain Significance.

Blueprint Genetics
Classification: Uncertain significance. Last evaluated: 2023-10-23. Review status: criteria provided, single submitter. Criteria: ACMG Guidelines, 2015. Collection method: clinical testing. Allele origin: germline.